The following is an entry in ClinVar:

NC_000013.10:g.(?_32920944)_(32921053_?)dup

Gene: BRCA2 (BRCA2 DNA repair associated; plus strand). Cytogenetic location: 13q13.1.
Variant type: Duplication.
Identifiers: ClinVar variation 3244175 (VCV003244175.1).

ClinVar aggregate classification (germline): Likely pathogenic (1 of 4 stars; one submission).

Conditions:
Hereditary breast ovarian cancer syndrome. Also called: Hereditary breast and ovarian cancer syndrome; Hereditary breast and ovarian cancer; Hereditary breast and ovarian cancer syndrome (HBOC); Breast and ovarian cancer; Hereditary breast and/or ovarian cancer syndrome; BRCA1- and BRCA2-Associated Hereditary Breast and Ovarian Cancer. Identifiers: Orphanet 145, MedGen C0677776, MeSH D061325, MONDO:0003582. Disease mechanism: loss of function.

Submission:

Labcorp Genetics (formerly Invitae), Labcorp
Classification: Likely pathogenic for Hereditary breast ovarian cancer syndrome. Last evaluated: 2020-03-01. Review status: criteria provided, single submitter. Criteria: Invitae Variant Classification Sherloc (09022015). Collection method: clinical testing. Allele origin: unknown.
Comment: In summary, the currently available evidence indicates that the variant is pathogenic, but additional data are needed to prove that conclusively. Therefore, this variant has been classified as Likely Pathogenic. Loss-of-function variants in BRCA2 are known to be pathogenic (PMID: 20104584). Similar gains have not been reported in the literature in individuals with BRCA2-related disease.¬†ClinVar contains an entry for this variant (Variation ID: 267666). This variant results in a copy number gain of the genomic region encompassing exon 13 of the BRCA2 gene. While the exact position of this variant cannot be determined from this data, sub-genic copy number gains are generally in tandem (PMID: 25640679) and may result in an absent or disrupted protein product.

Literature cited by the submitters: PubMed 20104584; PubMed 25640679.